The following is an entry in ClinVar:

NM_001242896.3(DEPDC5):c.3409G>C (p.Gly1137Arg)

Gene: DEPDC5 (DEP domain containing 5, GATOR1 subcomplex subunit; plus strand). Cytogenetic location: 22q12.3.
Variant type: single nucleotide variant.
Coding change: c.3409G>C on transcript NM_001242896.3 (MANE Select); coding-DNA position 3409, G replaced by C.
Protein change: p.Gly1137Arg; replaces glycine 1137 with arginine.
Molecular consequence: missense variant. On other transcripts: non-coding transcript variant (5).
Genome position (GRCh38, 1-based): chr22:31,870,668, G>C. VCF-style: chr22-31870668-G-C. GRCh37 (hg19) VCF-style: chr22-32266654-G-C.
Other names: c.3382G>C, p.Gly1128Arg (NM_001136029.4); c.3109G>C, p.Gly1037Arg (NM_001242897.2); c.3343G>C, p.Gly1115Arg (NM_001363852.2, NM_001364320.2); c.3175G>C, p.Gly1059Arg (NM_001363854.2, NM_001364319.2); c.3409G>C, p.Gly1137Arg (NM_001364318.2); c.3325G>C, p.Gly1109Arg (NM_001369901.1, NM_001369902.1); c.3316G>C, p.Gly1106Arg (NM_001369903.1, NM_014662.6); short protein forms G1037R, G1059R, G1106R, G1109R, G1115R, G1128R, G1137R.
Identifiers: ClinVar variation 1303956 (VCV001303956.2), dbSNP rs2149231171, ClinGen allele CA411296669.

ClinVar aggregate classification (germline): Uncertain significance (1 of 4 stars; one submission).

Submission:

GeneDx
Classification: Uncertain significance. Last evaluated: 2020-03-05. Review status: criteria provided, single submitter. Criteria: GeneDx Variant Classification Process June 2021. Collection method: clinical testing. Allele origin: germline. Affected: yes.
Comment: Not observed in large population cohorts (Lek et al., 2016); In silico analysis supports that this missense variant does not alter protein structure/function; Has not been previously published as pathogenic or benign to our knowledge